The following is an entry in ClinVar:

ClinVar aggregate classification (germline): Uncertain significance (1 of 4 stars; one submission).

Allele frequency attached by ClinVar (database versions not stated): gnomAD exomes below 0.00001.
gnomAD v4.1: 1 of 1,614,104 alleles (0.000062%); highest among the groups gnomAD compares: Admixed American, 0.0017%; no homozygotes.

Submission:

Labcorp Genetics (formerly Invitae), Labcorp
Classification: Uncertain significance. Last evaluated: 2017-08-03. Review status: criteria provided, single submitter. Criteria: Invitae Variant Classification Sherloc (09022015). Collection method: clinical testing. Allele origin: germline.
Comment: In summary, the available evidence is currently insufficient to determine the role of this variant in disease. Therefore, it has been classified as a Variant of Uncertain Significance. Algorithms developed to predict the effect of missense changes on protein structure and function do not agree on the potential impact of this missense change (SIFT: "Deleterious"; PolyPhen-2: "Benign"; Align-GVGD: "Class C65"). This variant has not been reported in the literature in individuals with MYH3-related disease. This variant is not present in population databases (ExAC no frequency). This sequence change replaces glycine with valine at codon 1262 of the MYH3 protein (p.Gly1262Val). The glycine residue is highly conserved and there is a moderate physicochemical difference between glycine and valine.

NM_002470.4(MYH3):c.3785G>T (p.Gly1262Val)

Gene: MYH3 (myosin heavy chain 3; minus strand). Cytogenetic location: 17p13.1.
Variant type: single nucleotide variant.
Coding change: c.3785G>T on transcript NM_002470.4 (MANE Select); coding-DNA position 3785, G replaced by T.
Protein change: p.Gly1262Val; replaces glycine 1262 with valine.
Molecular consequence: missense variant.
Genome position (GRCh38, 1-based): chr17:10,637,880, C>A on the plus strand (G>T on the coding strand, the complement: MYH3 is on the minus strand). VCF-style: chr17-10637880-C-A. GRCh37 (hg19) VCF-style: chr17-10541197-C-A.
Other names: short protein forms G1262V.
Identifiers: ClinVar variation 1046850 (VCV001046850.5), dbSNP rs1050022679, ClinGen allele CA287783516.
Genomic context (GRCh38, chr17:10,637,880, plus strand): 5'-TGCAAACGAGACTTCTGTGTGGTCAGCTCGCTCAGGCTCCTCTGAATTTCCTCATTCTTG[C>A]CCCTGGCCTCACTTAACTGATCCTCCAGGGTTCGGCAGATTTTTTCCAGATTTGCCTGAA-3'
Protein context (NP_002461.2, residues 1252-1272): TLEDQLSEAR[Gly1262Val]KNEEIQRSLS